The following is an entry in ClinVar:

ClinVar aggregate classification (germline): Uncertain significance. Review status: criteria provided, multiple submitters, no conflicts (2 of 4 stars). 2 submissions from 2 submitters: Uncertain significance (2). Last evaluated 2023-10-21.

Conditions:
Hereditary cancer-predisposing syndrome. Also called: Neoplastic Syndromes, Hereditary; Hereditary neoplastic syndrome; Tumor predisposition; Hereditary Cancer Syndrome. Identifiers: Orphanet 140162, MedGen C0027672, MeSH D009386, MONDO:0015356.

Submissions (2):

Ambry Genetics
Classification: Uncertain significance for Hereditary cancer-predisposing syndrome. Last evaluated: 2023-10-21. Review status: criteria provided, single submitter. Criteria: Ambry Variant Classification Scheme 2023. Collection method: clinical testing. Allele origin: germline.
Comment: The p.M140V variant (also known as c.418A>G), located in coding exon 1 of the HOXB13 gene, results from an A to G substitution at nucleotide position 418. The methionine at codon 140 is replaced by valine, an amino acid with highly similar properties. This amino acid position is conserved. In addition, this alteration is predicted to be tolerated by in silico analysis. Since supporting evidence is limited at this time, the clinical significance of this alteration remains unclear.

Labcorp Genetics (formerly Invitae), Labcorp
Classification: Uncertain significance. Last evaluated: 2022-09-01. Review status: criteria provided, single submitter. Criteria: Invitae Variant Classification Sherloc (09022015). Collection method: clinical testing. Allele origin: germline.
Comment: In summary, the available evidence is currently insufficient to determine the role of this variant in disease. Therefore, it has been classified as a Variant of Uncertain Significance. Algorithms developed to predict the effect of missense changes on protein structure and function output the following: SIFT: "Tolerated"; PolyPhen-2: "Benign"; Align-GVGD: "Class C0". The valine amino acid residue is found in multiple mammalian species, which suggests that this missense change does not adversely affect protein function. ClinVar contains an entry for this variant (Variation ID: 1392415). This variant has not been reported in the literature in individuals affected with HOXB13-related conditions. This variant is not present in population databases (gnomAD no frequency). This sequence change replaces methionine, which is neutral and non-polar, with valine, which is neutral and non-polar, at codon 140 of the HOXB13 protein (p.Met140Val).

NM_006361.6(HOXB13):c.418A>G (p.Met140Val)

Gene: HOXB13 (homeobox B13; minus strand). Cytogenetic location: 17q21.32.
Variant type: single nucleotide variant.
Coding change: c.418A>G on transcript NM_006361.6 (MANE Select); coding-DNA position 418, A replaced by G.
Protein change: p.Met140Val; replaces methionine 140 with valine.
Molecular consequence: missense variant.
Genome position (GRCh38, 1-based): chr17:48,728,176, T>C on the plus strand (A>G on the coding strand, the complement: HOXB13 is on the minus strand). VCF-style: chr17-48728176-T-C. GRCh37 (hg19) VCF-style: chr17-46805538-T-C.
Other names: c.418A>G (NM_006361.5); short protein forms M140V.
Identifiers: ClinVar variation 1392415 (VCV001392415.7), dbSNP rs2143072206, ClinGen allele CA400107499.
Genomic context (GRCh38, chr17:48,728,176, plus strand): 5'-GTCGCGGTTCTCCAGGAGCACCCAGAGTCTGCACCACAGACACGTCCAGGTAACTGGCCA[T>C]AGGCTGGTAGGTTCCCGGATATCCCGGATAGAAGGCAAACTCAGTGGGGCGGCTGGGGTA-3'
Protein context (NP_006352.2, residues 130-150): YPGYPGTYQP[Met140Val]ASYLDVSVVQ